The following is an entry in ClinVar:

NM_033109.5(PNPT1):c.2039C>T (p.Ala680Val)

Gene: PNPT1 (polyribonucleotide nucleotidyltransferase 1; minus strand). Cytogenetic location: 2p16.1.
Variant type: single nucleotide variant.
Coding change: c.2039C>T on transcript NM_033109.5 (MANE Select); coding-DNA position 2039, C replaced by T.
Protein change: p.Ala680Val; replaces alanine 680 with valine.
Molecular consequence: missense variant.
Genome position (GRCh38, 1-based): chr2:55,643,188, G>A on the plus strand (C>T on the coding strand, the complement: PNPT1 is on the minus strand). VCF-style: chr2-55643188-G-A. GRCh37 (hg19) VCF-style: chr2-55870323-G-A.
Other names: short protein forms A680V.
Identifiers: ClinVar variation 1015538 (VCV001015538.11), dbSNP rs1402295663, ClinGen allele CA346923786.
Genomic context (GRCh38, chr2:55,643,188, plus strand): 5'-TGCTCAGCATAGTATATTACTTGATATTACCTGATTTCAGTTATTGTGGCGGTATATACT[G>A]CTCCAAATTCTAATTGCTGCTCCTGCTGTAAGTGCAAAATAAGCCATAAGATTCATAAAG-3'
Protein context (NP_149100.2, residues 670-690): DDQEQQLEFG[Ala680Val]VYTATITEIR

ClinVar aggregate classification (germline): Uncertain significance. Review status: criteria provided, multiple submitters, no conflicts (2 of 4 stars). 5 submissions from 5 submitters: Uncertain significance (5). Last evaluated 2025-06-09.

Conditions:
Spinocerebellar ataxia type 25. Identifiers: Orphanet 101111, MedGen C1837518, MONDO:0012103, OMIM 608703.
Autosomal recessive nonsyndromic hearing loss 70. Also called: Deafness, autosomal recessive 70. Identifiers: Orphanet 90636, MedGen C1824925, MONDO:0013978, OMIM 614934.
Combined oxidative phosphorylation defect type 13. Also called: Combined oxidative phosphorylation deficiency 13. Identifiers: Orphanet 319514, MedGen C4706283, MONDO:0013977, OMIM 614932.
PNPT1-related disorder. Also called: PNPT1-related disorders; PNPT1-related condition.

gnomAD v4.1: 6 of 1,614,020 alleles (0.00037%); highest among the groups gnomAD compares: Non-Finnish European, 0.00051%; no homozygotes.

Submissions (5):

PreventionGenetics, part of Exact Sciences
Classification: Uncertain significance for PNPT1-related condition. Last evaluated: 2025-06-09. Review status: criteria provided, single submitter. Criteria: ACMG Guidelines, 2015. Collection method: clinical testing. Allele origin: germline.
Comment: The PNPT1 c.2039C>T variant is predicted to result in the amino acid substitution p.Ala680Val. To our knowledge, this variant has not been reported in the literature. This variant is reported in 0.0065% of alleles in individuals of European (Non-Finnish) descent in gnomAD. At this time, the clinical significance of this variant is uncertain due to the absence of conclusive functional and genetic evidence.

Blueprint Genetics
Classification: Uncertain significance. Last evaluated: 2024-04-30. Review status: criteria provided, single submitter. Criteria: ACMG Guidelines, 2015. Collection method: clinical testing. Allele origin: germline.

Department of Pathology and Laboratory Medicine, Sinai Health System
Classification: Uncertain significance for Spinocerebellar ataxia type 25; Combined oxidative phosphorylation defect type 13; Autosomal recessive nonsyndromic hearing loss 70. Last evaluated: 2022-05-30. Review status: criteria provided, single submitter. Criteria: ACMG Guidelines, 2015. Collection method: research. Allele origin: germline.

Labcorp Genetics (formerly Invitae), Labcorp
Classification: Uncertain significance. Last evaluated: 2022-02-08. Review status: criteria provided, single submitter. Criteria: Invitae Variant Classification Sherloc (09022015). Collection method: clinical testing. Allele origin: germline.
Comment: This sequence change replaces alanine, which is neutral and non-polar, with valine, which is neutral and non-polar, at codon 680 of the PNPT1 protein (p.Ala680Val). The frequency data for this variant in the population databases is considered unreliable, as metrics indicate poor data quality at this position in the gnomAD database. This variant has not been reported in the literature in individuals affected with PNPT1-related conditions. ClinVar contains an entry for this variant (Variation ID: 1015538). Advanced modeling of protein sequence and biophysical properties (such as structural, functional, and spatial information, amino acid conservation, physicochemical variation, residue mobility, and thermodynamic stability) performed at Invitae indicates that this missense variant is expected to disrupt PNPT1 protein function. In summary, the available evidence is currently insufficient to determine the role of this variant in disease. Therefore, it has been classified as a Variant of Uncertain Significance.

GeneDx
Classification: Uncertain significance. Last evaluated: 2020-05-19. Review status: criteria provided, single submitter. Criteria: GeneDx Variant Classification Process June 2021. Collection method: clinical testing. Allele origin: germline. Affected: yes.
Comment: Not observed at a significant frequency in large population cohorts (Lek et al., 2016); In silico analysis supports that this missense variant has a deleterious effect on protein structure/function; Has not been previously published as pathogenic or benign to our knowledge